The following is an entry in ClinVar:

ClinVar aggregate classification (germline): Uncertain significance (1 of 4 stars; one submission).

Conditions:
TTC8-related disorder. Also called: TTC8-related condition.

gnomAD v4.1: 3 of 1,613,586 alleles (0.00019%); highest among the groups gnomAD compares: Non-Finnish European, 0.00025%; no homozygotes.

Submission:

PreventionGenetics, part of Exact Sciences
Classification: Uncertain significance for TTC8-related condition. Last evaluated: 2026-08-26. Review status: criteria provided, single submitter. Criteria: ACMG Guidelines, 2015. Collection method: clinical testing. Allele origin: germline.
Comment: The TTC8 c.500T>C variant is predicted to result in the amino acid substitution p.Leu167Pro. To our knowledge, this variant has not been reported in the literature or in a large population database (gnomAD), indicating this variant is rare. At this time, the clinical significance of this variant is uncertain due to the absence of conclusive functional and genetic evidence.

NM_144596.4(TTC8):c.500T>C (p.Leu167Pro)

Gene: TTC8 (tetratricopeptide repeat domain 8; plus strand). Cytogenetic location: 14q31.3.
Variant type: single nucleotide variant.
Coding change: c.500T>C on transcript NM_144596.4 (MANE Select); coding-DNA position 500, T replaced by C.
Protein change: p.Leu167Pro; replaces leucine 167 with proline.
Molecular consequence: missense variant. On other transcripts: 5 prime UTR variant (1), non-coding transcript variant (1), intron variant (3).
Genome position (GRCh38, 1-based): chr14:88,841,435, T>C. VCF-style: chr14-88841435-T-C. GRCh37 (hg19) VCF-style: chr14-89307779-T-C.
Other names: c.470T>C, p.Leu157Pro (NM_001288781.1, NM_001366535.2, NM_198309.3); c.-93T>C (NM_001288782.1); c.-199+239T>C (NM_001288783.1); c.459+239T>C (NM_198310.3, NM_001366536.2); short protein forms L157P, L167P.
Identifiers: ClinVar variation 4986506 (VCV004986506.1).